The following is an entry in ClinVar:

NM_001283009.2(RTEL1):c.2749C>T (p.Gln917Ter)

Genes: RTEL1 (regulator of telomere elongation helicase 1; plus strand), RTEL1-TNFRSF6B (RTEL1-TNFRSF6B readthrough (NMD candidate); plus strand). Cytogenetic location: 20q13.33.
Variant type: single nucleotide variant.
Coding change: c.2749C>T on transcript NM_001283009.2 (MANE Select); coding-DNA position 2749, C replaced by T.
Protein change: p.Gln917Ter; replaces glutamine 917 with a stop codon.
Molecular consequence: nonsense. On other transcripts: non-coding transcript variant (1).
Genome position (GRCh38, 1-based): chr20:63,692,901, C>T. VCF-style: chr20-63692901-C-T. GRCh37 (hg19) VCF-style: chr20-62324254-C-T.
Other names: c.2080C>T, p.Gln694Ter (NM_001283010.1); c.2749C>T, p.Gln917Ter (NM_016434.4); c.2821C>T, p.Gln941Ter (NM_032957.5); short protein forms Q941*, Q917*, Q694*.
Identifiers: ClinVar variation 2055012 (VCV002055012.4), dbSNP rs2517165410, ClinGen allele CA409682965.

ClinVar aggregate classification (germline): Pathogenic (1 of 4 stars; one submission).

Conditions:
Pulmonary fibrosis and/or bone marrow failure, Telomere-related, 3. Also called: PULMONARY FIBROSIS AND/OR BONE MARROW FAILURE SYNDROME, TELOMERE-RELATED, 3. Identifiers: Orphanet 2032, MedGen C4225346, MONDO:0014613, OMIM 616373.
Dyskeratosis congenita, autosomal recessive 5 (DKCB5). Identifiers: MedGen C3554656, MONDO:0014076, OMIM 615190.

Submission:

Labcorp Genetics (formerly Invitae), Labcorp
Classification: Pathogenic for Dyskeratosis congenita, autosomal recessive 5; Pulmonary fibrosis and/or bone marrow failure, Telomere-related, 3. Last evaluated: 2021-12-23. Review status: criteria provided, single submitter. Criteria: Invitae Variant Classification Sherloc (09022015). Collection method: clinical testing. Allele origin: germline.
Comment: This variant has not been reported in the literature in individuals affected with RTEL1-related conditions. For these reasons, this variant has been classified as Pathogenic. This variant is not present in population databases (gnomAD no frequency). This sequence change creates a premature translational stop signal (p.Gln917*) in the RTEL1 gene. It is expected to result in an absent or disrupted protein product. Loss-of-function variants in RTEL1 are known to be pathogenic (PMID: 23453664, 23959892, 25607374).

Literature cited by the submitters: PubMed 23453664; PubMed 23959892; PubMed 25607374.